The following is an entry in ClinVar:

NM_004168.4(SDHA):c.1207C>G (p.Leu403Val)

Gene: SDHA (succinate dehydrogenase complex flavoprotein subunit A; plus strand). Cytogenetic location: 5p15.33.
Variant type: single nucleotide variant.
Coding change: c.1207C>G on transcript NM_004168.4 (MANE Select); coding-DNA position 1207, C replaced by G.
Protein change: p.Leu403Val; replaces leucine 403 with valine.
Molecular consequence: missense variant.
Genome position (GRCh38, 1-based): chr5:235,286, C>G. VCF-style: chr5-235286-C-G. GRCh37 (hg19) VCF-style: chr5-235401-C-G.
Other names: c.1063C>G, p.Leu355Val (NM_001294332.2); c.1207C>G, p.Leu403Val (NM_001330758.2); short protein forms L355V, L403V.
Identifiers: ClinVar variation 3438693 (VCV003438693.1).

ClinVar aggregate classification (germline): Uncertain significance (1 of 4 stars; one submission).

Conditions:
Hereditary cancer-predisposing syndrome. Also called: Tumor predisposition; Neoplastic Syndromes, Hereditary; Hereditary neoplastic syndrome; Hereditary Cancer Syndrome. Identifiers: Orphanet 140162, MedGen C0027672, MeSH D009386, MONDO:0015356.

Submission:

Ambry Genetics
Classification: Uncertain significance for Hereditary cancer-predisposing syndrome. Last evaluated: 2024-08-28. Review status: criteria provided, single submitter. Criteria: Ambry Variant Classification Scheme 2023. Collection method: clinical testing. Allele origin: germline.
Comment: The p.L403V variant (also known as c.1207C>G), located in coding exon 9 of the SDHA gene, results from a C to G substitution at nucleotide position 1207. The leucine at codon 403 is replaced by valine, an amino acid with highly similar properties. This amino acid position is conserved. In addition, the in silico prediction for this alteration is inconclusive. Based on the available evidence, the clinical significance of this variant remains unclear.